The following is an entry in ClinVar:

NM_033028.5(BBS4):c.1126C>G (p.Leu376Val)

Gene: BBS4 (Bardet-Biedl syndrome 4; plus strand). Cytogenetic location: 15q24.1.
Variant type: single nucleotide variant.
Coding change: c.1126C>G on transcript NM_033028.5 (MANE Select); coding-DNA position 1126, C replaced by G.
Protein change: p.Leu376Val; replaces leucine 376 with valine.
Molecular consequence: missense variant. On other transcripts: non-coding transcript variant (2).
Genome position (GRCh38, 1-based): chr15:72,735,844, C>G. VCF-style: chr15-72735844-C-G. GRCh37 (hg19) VCF-style: chr15-73028185-C-G.
Other names: c.610C>G, p.Leu204Val (NM_001252678.2); c.1057C>G, p.Leu353Val (NM_001320665.2); c.1126C>G (NM_033028.4); short protein forms L204V, L353V, L376V.
Identifiers: ClinVar variation 1058102 (VCV001058102.7), dbSNP rs760324204, ClinGen allele CA7646921.

ClinVar aggregate classification (germline): Uncertain significance. Review status: criteria provided, multiple submitters, no conflicts (2 of 4 stars). 3 submissions from 3 submitters: Uncertain significance (3). Last evaluated 2024-07-11.

Conditions:
Bardet-Biedl syndrome (BBS). Identifiers: Orphanet 110, MedGen C0752166, MONDO:0015229.
BBS4-related disorder. Also called: BBS4-related condition.

Allele frequency attached by ClinVar (database versions not stated): gnomAD exomes below 0.00001 and 0.00002; gnomAD 0.00001; ExAC 0.00006.
gnomAD v4.1: 9 of 1,614,012 alleles (0.00056%); highest among the groups gnomAD compares: East Asian, 0.016%; no homozygotes.

Submissions (3):

Blueprint Genetics
Classification: Uncertain significance. Last evaluated: 2024-07-11. Review status: criteria provided, single submitter. Criteria: ACMG Guidelines, 2015. Collection method: clinical testing. Allele origin: germline.

PreventionGenetics, part of Exact Sciences
Classification: Uncertain significance for BBS4-related condition. Last evaluated: 2022-09-19. Review status: criteria provided, single submitter. Criteria: ACMG Guidelines, 2015. Collection method: clinical testing. Allele origin: germline.
Comment: The BBS4 c.1126C>G variant is predicted to result in the amino acid substitution p.Leu376Val. To our knowledge, this variant has not been reported in the literature. This variant is reported in 0.033% of alleles in individuals of East Asian descent in gnomAD. At this time, the clinical significance of this variant is uncertain due to the absence of conclusive functional and genetic evidence.

Labcorp Genetics (formerly Invitae), Labcorp
Classification: Uncertain significance for Bardet-Biedl syndrome. Last evaluated: 2021-08-27. Review status: criteria provided, single submitter. Criteria: Invitae Variant Classification Sherloc (09022015). Collection method: clinical testing. Allele origin: germline.
Comment: This sequence change replaces leucine with valine at codon 376 of the BBS4 protein (p.Leu376Val). The leucine residue is highly conserved and there is a small physicochemical difference between leucine and valine. This variant is present in population databases (rs760324204, ExAC 0.08%). This variant has not been reported in the literature in individuals affected with BBS4-related conditions. Algorithms developed to predict the effect of missense changes on protein structure and function are either unavailable or do not agree on the potential impact of this missense change (SIFT: "Deleterious"; PolyPhen-2: "Probably Damaging"; Align-GVGD: "Class C0"). In summary, the available evidence is currently insufficient to determine the role of this variant in disease. Therefore, it has been classified as a Variant of Uncertain Significance.